The following is an entry in ClinVar:

ClinVar aggregate classification (germline): Uncertain significance. Review status: criteria provided, multiple submitters, no conflicts (2 of 4 stars). 4 submissions from 4 submitters: Uncertain significance (4). Last evaluated 2024-05-09.

Conditions:
Congenital myasthenic syndrome 9. Also called: Myasthenic syndrome, congenital, 9, associated with acetylcholine receptor deficiency. Identifiers: Orphanet 590, MedGen C4225368, MONDO:0014587, OMIM 616325.
Fetal akinesia deformation sequence 1 (FADS1). Also called: Fetal akinesia sequence; Pena-Shokeir syndrome type I. Identifiers: Orphanet 994, MedGen C1276035, MONDO:0100101, OMIM 208150, HP:0001989.
Inborn genetic diseases. Identifiers: MedGen C0950123, MeSH D030342.

Allele frequency attached by ClinVar (database versions not stated): TOPMed 0.00003; ExAC 0.00004; ESP Exome Variant Server 0.00009; gnomAD exomes 0.00001; gnomAD 0.00002.
gnomAD v4.1: 30 of 1,513,852 alleles (0.002%); highest among the groups gnomAD compares: Non-Finnish European, 0.0023%; no homozygotes.

Submissions (4):

Ambry Genetics
Classification: Uncertain significance for Inborn genetic diseases. Last evaluated: 2024-05-09. Review status: criteria provided, single submitter. Criteria: Ambry Variant Classification Scheme 2023. Collection method: clinical testing. Allele origin: germline.

Revvity Omics, Revvity
Classification: Uncertain significance. Last evaluated: 2023-04-26. Review status: criteria provided, single submitter. Criteria: ACMG Guidelines, 2015. Collection method: clinical testing. Allele origin: germline.

Labcorp Genetics (formerly Invitae), Labcorp
Classification: Uncertain significance for Congenital myasthenic syndrome 9; Fetal akinesia deformation sequence 1. Last evaluated: 2022-08-12. Review status: criteria provided, single submitter. Criteria: Invitae Variant Classification Sherloc (09022015). Collection method: clinical testing. Allele origin: germline.
Comment: This sequence change replaces arginine, which is basic and polar, with cysteine, which is neutral and slightly polar, at codon 125 of the MUSK protein (p.Arg125Cys). This variant is present in population databases (rs371157090, gnomAD 0.004%). This variant has not been reported in the literature in individuals affected with MUSK-related conditions. ClinVar contains an entry for this variant (Variation ID: 652125). Advanced modeling of protein sequence and biophysical properties (such as structural, functional, and spatial information, amino acid conservation, physicochemical variation, residue mobility, and thermodynamic stability) performed at Invitae indicates that this missense variant is expected to disrupt MUSK protein function. In summary, the available evidence is currently insufficient to determine the role of this variant in disease. Therefore, it has been classified as a Variant of Uncertain Significance.

Illumina Laboratory Services, Illumina
Classification: Uncertain significance for Congenital myasthenic syndrome 9. Last evaluated: 2018-01-13. Review status: criteria provided, single submitter. Criteria: ICSL Variant Classification Criteria 13 December 2019. Collection method: clinical testing. Allele origin: germline.

NM_005592.4(MUSK):c.373C>T (p.Arg125Cys)

Gene: MUSK (muscle associated receptor tyrosine kinase; plus strand). Cytogenetic location: 9q31.3.
Variant type: single nucleotide variant.
Coding change: c.373C>T on transcript NM_005592.4 (MANE Select); coding-DNA position 373, C replaced by T.
Protein change: p.Arg125Cys; replaces arginine 125 with cysteine.
Molecular consequence: missense variant.
Genome position (GRCh38, 1-based): chr9:110,695,417, C>T. VCF-style: chr9-110695417-C-T. GRCh37 (hg19) VCF-style: chr9-113457697-C-T.
Other names: c.373C>T, p.Arg125Cys (NM_001166280.2, NM_001166281.2); short protein forms R125C.
Identifiers: ClinVar variation 652125 (VCV000652125.10), dbSNP rs371157090, ClinGen allele CA5184004.